The following is an entry in ClinVar:

ClinVar aggregate classification (germline): Conflicting classifications of pathogenicity. Review status: criteria provided, conflicting classifications (1 of 4 stars). 3 submissions from 3 submitters: Uncertain significance (1); Likely benign (2). Last evaluated 2026-05-22.

Conditions:
Landau-Kleffner syndrome (FESD). Also called: EPILEPSY, FOCAL, WITH SPEECH DISORDER AND WITH OR WITHOUT MENTAL RETARDATION; APHASIA, ACQUIRED, WITH EPILEPSY. Identifiers: Orphanet 1945, Orphanet 725, Orphanet 98818, MedGen C0282512, MONDO:0009509, OMIM 245570.

Submissions (3):

Women's Health and Genetics/Laboratory Corporation of America, LabCorp
Classification: Likely benign. Last evaluated: 2026-05-22. Review status: criteria provided, single submitter. Criteria: LabCorp Variant Classification Summary - May 2015. Collection method: clinical testing. Allele origin: germline.
Comment: Variant summary: GRIN2A c.1329-5dupT alters a nucleotide located at a position not widely known to affect splicing. Consensus agreement among computation tools predict no significant impact on normal splicing. However, these predictions have yet to be confirmed by functional studies. The variant allele was found at a frequency of 8e-06 in 250482 control chromosomes. The available data on variant occurrences in the general population are insufficient to allow any conclusion about variant significance. To our knowledge, no occurrence of c.1329-5dupT in individuals affected with GRIN2A-related conditions and no experimental evidence demonstrating its impact on protein function have been reported. ClinVar contains an entry for this variant (Variation ID: 1154237). Based on the evidence outlined above, the variant was classified as likely benign.

Labcorp Genetics (formerly Invitae), Labcorp
Classification: Likely benign for Landau-Kleffner syndrome. Last evaluated: 2024-11-27. Review status: criteria provided, single submitter. Criteria: Invitae Variant Classification Sherloc (09022015). Collection method: clinical testing. Allele origin: germline.

Genetic Services Laboratory, University of Chicago
Classification: Uncertain significance. Last evaluated: 2018-02-09. Review status: criteria provided, single submitter. Criteria: ACMG Guidelines, 2015. Collection method: clinical testing. Allele origin: germline. Affected: no.

NM_001134407.3(GRIN2A):c.1329-7dup

Gene: GRIN2A (glutamate ionotropic receptor NMDA type subunit 2A; minus strand). Cytogenetic location: 16p13.2.
Variant type: Duplication.
Coding change: c.1329-7dup on transcript NM_001134407.3 (MANE Select); 7 bases into the intron before coding-DNA position 1329, one base duplicated (T; older notation c.1329-7dupT).
Molecular consequence: intron variant.
Genome position (GRCh38, 1-based): chr16:9,841,109, A duplicated on the plus strand (T on the coding strand, the reverse complement: GRIN2A is on the minus strand); the first of 3 consecutive A bases (chr16:9,841,109-9,841,111); duplicating any one gives the same sequence. VCF-style (leftmost placement, unchanged base first): chr16-9841108-T-TA. GRCh37 (hg19) VCF-style: chr16-9934965-T-TA.
Other names: c.1329-7dup (NM_001134408.2, NM_000833.5); c.1329-5dupT (NM_000833.5).
Identifiers: ClinVar variation 1154237 (VCV001154237.12), dbSNP rs1455515948, ClinGen allele CA394800907.